The following is an entry in ClinVar:

NM_000152.5(GAA):c.482C>A (p.Pro161His)

Gene: GAA (alpha glucosidase; plus strand). Cytogenetic location: 17q25.3.
Variant type: single nucleotide variant.
Coding change: c.482C>A on transcript NM_000152.5 (MANE Select); coding-DNA position 482, C replaced by A.
Protein change: p.Pro161His; replaces proline 161 with histidine.
Molecular consequence: missense variant.
Genome position (GRCh38, 1-based): chr17:80,105,068, C>A. VCF-style: chr17-80105068-C-A. GRCh37 (hg19) VCF-style: chr17-78078867-C-A.
Other names: c.482C>A, p.Pro161His (NM_001079803.3, NM_001079804.3, NM_001406741.1 and 1 more transcripts); short protein forms P161H.
Identifiers: ClinVar variation 3013378 (VCV003013378.3), dbSNP rs201756874, ClinGen allele CA294887341.
Genomic context (GRCh38, chr17:80,105,068, plus strand): 5'-TGAGCTCCTCTGAAATGGGCTACACGGCCACCCTGACCCGTACCACCCCCACCTTCTTCC[C>A]CAAGGACATCCTGACCCTGCGGCTGGACGTGATGATGGAGACTGAGAACCGCCTCCACTT-3'
Protein context (NP_000143.2, residues 151-171): TLTRTTPTFF[Pro161His]KDILTLRLDV

ClinVar aggregate classification (germline): Uncertain significance (1 of 4 stars; one submission).

Conditions:
Glycogen storage disease, type II (IOPD). Also called: Pompe Disease; GLYCOGENOSIS, GENERALIZED, CARDIAC FORM; GSD II; POMPE DISEASE, INFANTILE-ONSET; GLYCOGEN STORAGE DISEASE II, INFANTILE-ONSET; ACID ALPHA-GLUCOSIDASE DEFICIENCY, INFANTILE-ONSET. Identifiers: Orphanet 365, MedGen C0017921, MONDO:0009290, OMIM 232300.

Allele frequency attached by ClinVar (database versions not stated): gnomAD exomes below 0.00001.

Submission:

Labcorp Genetics (formerly Invitae), Labcorp
Classification: Uncertain significance for Glycogen storage disease, type II. Last evaluated: 2023-10-15. Review status: criteria provided, single submitter. Criteria: Invitae Variant Classification Sherloc (09022015). Collection method: clinical testing. Allele origin: germline.
Comment: This sequence change replaces proline, which is neutral and non-polar, with histidine, which is basic and polar, at codon 161 of the GAA protein (p.Pro161His). This variant is not present in population databases (gnomAD no frequency). This variant has not been reported in the literature in individuals affected with GAA-related conditions. Advanced modeling of protein sequence and biophysical properties (such as structural, functional, and spatial information, amino acid conservation, physicochemical variation, residue mobility, and thermodynamic stability) performed at Invitae indicates that this missense variant is expected to disrupt GAA protein function. In summary, the available evidence is currently insufficient to determine the role of this variant in disease. Therefore, it has been classified as a Variant of Uncertain Significance.